The following is an entry in ClinVar:

ClinVar aggregate classification (germline): Uncertain significance (1 of 4 stars; one submission).

Conditions:
Leigh syndrome (NULS). Also called: Leigh's necrotizing encephalopathy; Leigh's disease; Leigh Syndrome (mtDNA deletion); Leigh Disease; Subacute necrotizing encephalopathy; Necrotizing encephalopathy infantile subacute of Leigh. Identifiers: Orphanet 506, MedGen C2931891, MONDO:0009723, OMIM 256000.

Submission:

Wong Mito Lab, Molecular and Human Genetics, Baylor College of Medicine
Classification: Uncertain significance for Leigh syndrome. Last evaluated: 2019-10-17. Review status: criteria provided, single submitter. Criteria: Modified ACMG Guidelines (Unpublished). Collection method: clinical testing. Allele origin: germline.
Comment: The NC_012920.1:m.9769T>C (YP_003024032.1:p.Ile188Thr) variant in MTCO3 gene is interpretated to be a Uncertain Significance variant based on the modified ACMG guidelines (unpublished). This variant meets the following evidence codes: no criteria

NC_012920.1(MT-CO3):m.9769T>C

Gene: MT-CO3 (mitochondrially encoded cytochrome c oxidase III; plus strand).
Variant type: single nucleotide variant.
Genome position: chrM-9769-T-C.
Identifiers: ClinVar variation 693224 (VCV000693224.1), dbSNP rs1603222494, ClinGen allele CA414803671.